The following is an entry in ClinVar:

ClinVar aggregate classification (germline): Likely benign. Review status: criteria provided, multiple submitters, no conflicts (2 of 4 stars). 2 submissions from 2 submitters: Likely benign (2). Last evaluated 2024-11-27.

Submissions (2):

Blueprint Genetics
Classification: Likely benign. Last evaluated: 2024-11-27. Review status: criteria provided, single submitter. Criteria: ACMG Guidelines, 2015. Collection method: clinical testing. Allele origin: germline.

CeGaT Center for Human Genetics Tuebingen
Classification: Likely benign. Last evaluated: 2024-08-01. Review status: criteria provided, single submitter. Criteria: CeGaT Center For Human Genetics Tuebingen Variant Classification Criteria Version 2. Collection method: clinical testing. Allele origin: germline. Affected: yes. Observed: 1 variant allele.
Comment: CEL: BP4, BP7

NM_001807.6(CEL):c.1800G>C (p.Gly600=)

Gene: CEL (carboxyl ester lipase; plus strand). Cytogenetic location: 9q34.13.
Variant type: single nucleotide variant.
Coding change: c.1800G>C on transcript NM_001807.6 (MANE Select); coding-DNA position 1800, G replaced by C.
Protein change: p.Gly600=; no amino-acid change (glycine 600 retained).
Molecular consequence: synonymous variant.
Genome position (GRCh38, 1-based): chr9:133,071,302, G>C. VCF-style: chr9-133071302-G-C. GRCh37 (hg19) VCF-style: chr9-135946689-G-C.
Identifiers: ClinVar variation 3341637 (VCV003341637.17).
Genomic context (GRCh38, chr9:133,071,302, plus strand): 5'-CCCCGTGCCGCCCACGGGTGACTCCGGGGCCCCCCCCGTGCCGCCCACGGGTGACTCCGG[G>C]GCCCCCCCCGTGCCGCCCACGGGTGACTCCGGGGCCCCCCCCGTGCCGCCCACGGGTGAC-3'
Protein context (NP_001798.3, residues 590-610): APPVPPTGDS[Gly600=]APPVPPTGDS